The following is an entry in ClinVar:

NM_004366.6(CLCN2):c.2218A>G (p.Lys740Glu)

Gene: CLCN2 (chloride voltage-gated channel 2; minus strand). Cytogenetic location: 3q27.1.
Variant type: single nucleotide variant.
Coding change: c.2218A>G on transcript NM_004366.6 (MANE Select); coding-DNA position 2218, A replaced by G.
Protein change: p.Lys740Glu; replaces lysine 740 with glutamic acid.
Molecular consequence: missense variant.
Genome position (GRCh38, 1-based): chr3:184,352,496, T>C on the plus strand (A>G on the coding strand, the complement: CLCN2 is on the minus strand). VCF-style: chr3-184352496-T-C. GRCh37 (hg19) VCF-style: chr3-184070284-T-C.
Other names: c.2167A>G, p.Lys723Glu (NM_001171087.3); c.2086A>G, p.Lys696Glu (NM_001171088.3); c.2218A>G, p.Lys740Glu (NM_001171089.3); short protein forms K696E, K740E, K723E.
Identifiers: ClinVar variation 4728168 (VCV004728168.1).

ClinVar aggregate classification (germline): Uncertain significance (1 of 4 stars; one submission).

Submission:

Labcorp Genetics (formerly Invitae), Labcorp
Classification: Uncertain significance. Last evaluated: 2025-09-30. Review status: criteria provided, single submitter. Criteria: Invitae Variant Classification Sherloc (09022015). Collection method: clinical testing. Allele origin: germline.
Comment: This sequence change replaces lysine, which is basic and polar, with glutamic acid, which is acidic and polar, at codon 740 of the CLCN2 protein (p.Lys740Glu). This variant is not present in population databases (gnomAD no frequency). This variant has not been reported in the literature in individuals affected with CLCN2-related conditions. An algorithm developed to predict the effect of missense changes on protein structure and function (PolyPhen-2) suggests that this variant is likely to be tolerated. In summary, the available evidence is currently insufficient to determine the role of this variant in disease. Therefore, it has been classified as a Variant of Uncertain Significance.